The following is an entry in ClinVar:

NM_003718.5(CDK13):c.4096C>T (p.Arg1366Cys)

Gene: CDK13 (cyclin dependent kinase 13; plus strand). Cytogenetic location: 7p14.1.
Variant type: single nucleotide variant.
Coding change: c.4096C>T on transcript NM_003718.5 (MANE Select); coding-DNA position 4096, C replaced by T.
Protein change: p.Arg1366Cys; replaces arginine 1366 with cysteine.
Molecular consequence: missense variant.
Genome position (GRCh38, 1-based): chr7:40,094,537, C>T. VCF-style: chr7-40094537-C-T. GRCh37 (hg19) VCF-style: chr7-40134136-C-T.
Other names: c.3916C>T, p.Arg1306Cys (NM_031267.4); short protein forms R1306C, R1366C.
Identifiers: ClinVar variation 2229473 (VCV002229473.4), dbSNP rs373378960, ClinGen allele CA4229077.
Genomic context (GRCh38, chr7:40,094,537, plus strand): 5'-TCTGCTCCTTATGTTAGCAATGATGGTCTAGGAAGCAGTTCTGCTCCACCACTAGAACGA[C>T]GTAGTTTCATTGGAAATTCAGATATTCAGTCTTTGGATAACTACAGTACTGCTTCATCTC-3'
Protein context (NP_003709.3, residues 1356-1376): GSSSAPPLER[Arg1366Cys]SFIGNSDIQS

ClinVar aggregate classification (germline): Uncertain significance. Review status: criteria provided, multiple submitters, no conflicts (2 of 4 stars). 3 submissions from 3 submitters: Uncertain significance (3). Last evaluated 2025-09-10.

Conditions:
Inborn genetic diseases. Identifiers: MedGen C0950123, MeSH D030342.
Congenital heart defects, dysmorphic facial features, and intellectual developmental disorder (CHDFIDD). Identifiers: Orphanet 646278, MedGen C4479246, MONDO:0044302, OMIM 617360.

Allele frequency attached by ClinVar (database versions not stated): 1000 Genomes Project 30x 0.00016; 1000 Genomes Project 0.00020; gnomAD 0.00002; TOPMed 0.00002; ESP Exome Variant Server 0.00008.
gnomAD v4.1: 30 of 1,611,714 alleles (0.0019%); highest among the groups gnomAD compares: South Asian, 0.0033%; no homozygotes.

Submissions (3):

Genomic Medicine Center of Excellence, King Faisal Specialist Hospital and Research Centre
Classification: Uncertain significance for Congenital heart defects, dysmorphic facial features, and intellectual developmental disorder. Last evaluated: 2025-09-10. Review status: criteria provided, single submitter. Criteria: ACMG Guidelines, 2015. Collection method: clinical testing. Allele origin: germline.

Labcorp Genetics (formerly Invitae), Labcorp
Classification: Uncertain significance. Last evaluated: 2025-08-12. Review status: criteria provided, single submitter. Criteria: Invitae Variant Classification Sherloc (09022015). Collection method: clinical testing. Allele origin: germline.
Comment: This sequence change replaces arginine, which is basic and polar, with cysteine, which is neutral and slightly polar, at codon 1366 of the CDK13 protein (p.Arg1366Cys). This variant is present in population databases (rs373378960, gnomAD 0.004%). This variant has not been reported in the literature in individuals affected with CDK13-related conditions. ClinVar contains an entry for this variant (Variation ID: 2229473). Invitae Evidence Modeling of protein sequence and biophysical properties (such as structural, functional, and spatial information, amino acid conservation, physicochemical variation, residue mobility, and thermodynamic stability) indicates that this missense variant is not expected to disrupt CDK13 protein function with a negative predictive value of 95%. In summary, the available evidence is currently insufficient to determine the role of this variant in disease. Therefore, it has been classified as a Variant of Uncertain Significance.

Ambry Genetics
Classification: Uncertain significance for Inborn genetic diseases. Last evaluated: 2022-09-27. Review status: criteria provided, single submitter. Criteria: Ambry Variant Classification Scheme 2023. Collection method: clinical testing. Allele origin: germline.